The following is an entry in ClinVar:

NC_000016.9:g.(?_13915808)_(14724045_?)dup

Genes: ERCC4 (ERCC excision repair 4, endonuclease catalytic subunit; plus strand), MIR193B (microRNA 193b; plus strand), MIR365A (microRNA 365a; plus strand), MRTFB (myocardin related transcription factor B; plus strand), PARN (poly(A)-specific ribonuclease; minus strand). Cytogenetic location: 16p13.12.
Variant type: Duplication.
Identifiers: ClinVar variation 1449573 (VCV001449573.4).

ClinVar aggregate classification (germline): Uncertain significance (1 of 4 stars; one submission).

Conditions:
Xeroderma pigmentosum, group F (XPF). Also called: XERODERMA PIGMENTOSUM, TYPE F; Xeroderma pigmentosum, type 6; ERCC4-Related Xeroderma Pigmentosum; XERODERMA PIGMENTOSUM VI; XP, GROUP F; XERODERMA PIGMENTOSUM, COMPLEMENTATION GROUP F. Identifiers: MedGen C0268140, MONDO:0010215, OMIM 278760.
Cockayne syndrome. Identifiers: Orphanet 191, MedGen C0009207, MONDO:0016006.
Fanconi anemia complementation group Q. Identifiers: Orphanet 84, MedGen C3808988, MONDO:0014108, OMIM 615272.

Submission:

Labcorp Genetics (formerly Invitae), Labcorp
Classification: Uncertain significance for Fanconi anemia complementation group Q; Xeroderma pigmentosum, group F; Cockayne syndrome. Last evaluated: 2021-01-09. Review status: criteria provided, single submitter. Criteria: Invitae Variant Classification Sherloc (09022015). Collection method: clinical testing. Allele origin: germline.
Comment: A copy number gain of the genomic region encompassing the full coding sequence of the ERCC4 gene has been identified. The boundaries of this event are unknown as they extend beyond the assayed region for this gene and therefore may encompass additional genes. As the precise location of this event is unknown, it may be in tandem or it may be located elsewhere in the genome. This variant has not been reported in the literature in individuals with ERCC4-related conditions. Experimental studies and prediction algorithms are not available or were not evaluated, and the functional significance of this variant is currently unknown. In summary, the available evidence is currently insufficient to determine the role of this variant in disease. Therefore, it has been classified as a Variant of Uncertain Significance.